The following is an entry in ClinVar:

NM_000540.3(RYR1):c.190T>C (p.Cys64Arg)

Gene: RYR1 (ryanodine receptor 1; plus strand). Cytogenetic location: 19q13.2.
Variant type: single nucleotide variant.
Coding change: c.190T>C on transcript NM_000540.3 (MANE Select); coding-DNA position 190, T replaced by C.
Protein change: p.Cys64Arg; replaces cysteine 64 with arginine.
Molecular consequence: missense variant.
Genome position (GRCh38, 1-based): chr19:38,442,373, T>C. VCF-style: chr19-38442373-T-C. GRCh37 (hg19) VCF-style: chr19-38933013-T-C.
Other names: NM_000540.2(RYR1):c.190T>C; p.Cys64Arg; c.190T>C, p.Cys64Arg (NM_001042723.2); short protein forms C64R.
Identifiers: ClinVar variation 590492 (VCV000590492.5), dbSNP rs995399438, ClinGen allele CA308110136.

ClinVar aggregate classification (germline): Uncertain significance. Review status: reviewed by expert panel (3 of 4 stars). 2 submissions from 2 submitters: Uncertain significance (1). 1 of the submissions does not count toward it. Last evaluated 2025-08-01.

Conditions:
Malignant hyperthermia of anesthesia. Also called: Anesthesic-triggered malignant hyperthermia. Identifiers: Orphanet 423, MedGen C0024591, MONDO:0018493, HP:0034733.

Allele frequency attached by ClinVar (database versions not stated): gnomAD exomes below 0.00001.
gnomAD v4.1: 2 of 1,612,666 alleles (0.00012%); highest among the groups gnomAD compares: Non-Finnish European, 0.00017%; no homozygotes.

Submissions (2):

ClinGen Malignant Hyperthermia Susceptibility Variant Curation Expert Panel, ClinGen
Classification: Uncertain significance for Malignant hyperthermia of anesthesia. Last evaluated: 2025-08-01. Review status: reviewed by expert panel. Criteria: ClinGen MHS ACMG Specifications V2. Collection method: curation. Allele origin: germline. Inheritance: Autosomal dominant inheritance.
Comment: This pathogenicity assessment is relevant only for malignant hyperthermia susceptibility (MHS) inherited in an autosomal dominant pattern. Variants in RYR1 can also cause other myopathies inherited in an autosomal dominant pattern or in an autosomal recessive pattern. Some of these disorders may predispose individuals to malignant hyperthermia. RYR1 variants may also contribute to a malignant hyperthermia reaction in combination with other genetic and non-genetic factors and the clinician needs to consider such factors in making management decisions. This sequence variant predicts a substitution of cysteine with arginine at codon 64 of the RYR1 protein, p.(Cys64Arg). This variant was not present in a large population database (gnomAD) at the time this variant was interpreted. This variant has been reported in an individual with a personal or family history of an MH episode and a positive caffeine halothane contracture test (CHCT) result (if the proband was unavailable for testing, a positive diagnostic test result in a mutation-positive relative was counted), this individual also carried variant p.Ala3421Val, do not count for PS4 (PMID:21455645). No functional studies were identified for this variant. This variant resides in a region of RYR1 considered to be a hotspot for pathogenic variants that contribute to MHS, PM1, (PMID: 21118704). A REVEL score of 0.809 supports neither a pathogenic nor a benign status for this variant. This variant has been classified as a Variant of Unknown Significance. Criteria implemented: PM1.

PreventionGenetics, part of Exact Sciences
Classification: Uncertain significance. Last evaluated: 2013-11-19. Review status: criteria provided, single submitter. Criteria: ACMG Guidelines, 2015. Collection method: clinical testing. Allele origin: germline. Not counted in ClinVar's aggregate classification.